The following is an entry in ClinVar:

NM_004706.4(ARHGEF1):c.1030C>G (p.Leu344Val)

Gene: ARHGEF1 (Rho guanine nucleotide exchange factor 1; plus strand). Cytogenetic location: 19q13.2.
Variant type: single nucleotide variant.
Coding change: c.1030C>G on transcript NM_004706.4 (MANE Select); coding-DNA position 1030, C replaced by G.
Protein change: p.Leu344Val; replaces leucine 344 with valine.
Molecular consequence: missense variant.
Genome position (GRCh38, 1-based): chr19:41,896,391, C>G. VCF-style: chr19-41896391-C-G. GRCh37 (hg19) VCF-style: chr19-42400464-C-G.
Other names: c.931C>G, p.Leu311Val (NM_198977.2); c.1075C>G, p.Leu359Val (NM_199002.2); c.1075C>G (NM_199002.1); short protein forms L311V, L344V, L359V.
Identifiers: ClinVar variation 1013887 (VCV001013887.9), dbSNP rs781818152, ClinGen allele CA9466172.

ClinVar aggregate classification (germline): Uncertain significance. Review status: criteria provided, multiple submitters, no conflicts (2 of 4 stars). 2 submissions from 2 submitters: Uncertain significance (2). Last evaluated 2024-08-20.

Allele frequency attached by ClinVar (database versions not stated): ExAC below 0.00001; gnomAD exomes 0.00001; gnomAD 0.00005 and 0.00006; TOPMed 0.00007.
gnomAD v4.1: 23 of 1,438,976 alleles (0.0016%); highest among the groups gnomAD compares: African/African-American, 0.033%; no homozygotes.

Submissions (2):

Ambry Genetics
Classification: Uncertain significance. Last evaluated: 2024-08-20. Review status: criteria provided, single submitter. Criteria: Ambry Variant Classification Scheme 2023. Collection method: clinical testing. Allele origin: germline.

Labcorp Genetics (formerly Invitae), Labcorp
Classification: Uncertain significance. Last evaluated: 2024-04-11. Review status: criteria provided, single submitter. Criteria: Invitae Variant Classification Sherloc (09022015). Collection method: clinical testing. Allele origin: germline.
Comment: This sequence change replaces leucine, which is neutral and non-polar, with valine, which is neutral and non-polar, at codon 359 of the ARHGEF1 protein (p.Leu359Val). This variant is present in population databases (rs781818152, gnomAD 0.01%). This variant has not been reported in the literature in individuals affected with ARHGEF1-related conditions. ClinVar contains an entry for this variant (Variation ID: 1013887). An algorithm developed to predict the effect of missense changes on protein structure and function (PolyPhen-2) suggests that this variant is likely to be tolerated. In summary, the available evidence is currently insufficient to determine the role of this variant in disease. Therefore, it has been classified as a Variant of Uncertain Significance.